The following is an entry in ClinVar:

ClinVar aggregate classification (germline): Uncertain significance (1 of 4 stars; one submission).

Allele frequency attached by ClinVar (database versions not stated): gnomAD exomes below 0.00001.
gnomAD v4.1: 2 of 1,614,066 alleles (0.00012%); highest among the groups gnomAD compares: Non-Finnish European, 0.00017%; no homozygotes.

Submission:

CeGaT Center for Human Genetics Tuebingen
Classification: Uncertain significance. Last evaluated: 2023-04-01. Review status: criteria provided, single submitter. Criteria: CeGaT Center For Human Genetics Tuebingen Variant Classification Criteria Version 2. Collection method: clinical testing. Allele origin: germline. Affected: yes. Observed: 1 variant allele.
Comment: ASH1L: PM2, PP2, BP4

NM_018489.3(ASH1L):c.4310C>T (p.Ala1437Val)

Gene: ASH1L (ASH1 like histone lysine methyltransferase; minus strand). Cytogenetic location: 1q22.
Variant type: single nucleotide variant.
Coding change: c.4310C>T on transcript NM_018489.3 (MANE Select); coding-DNA position 4310, C replaced by T.
Protein change: p.Ala1437Val; replaces alanine 1437 with valine.
Molecular consequence: missense variant.
Genome position (GRCh38, 1-based): chr1:155,478,560, G>A on the plus strand (C>T on the coding strand, the complement: ASH1L is on the minus strand). VCF-style: chr1-155478560-G-A. GRCh37 (hg19) VCF-style: chr1-155448351-G-A.
Other names: c.4310C>T, p.Ala1437Val (NM_001366177.2); short protein forms A1437V.
Identifiers: ClinVar variation 2639417 (VCV002639417.24), dbSNP rs2527151729, ClinGen allele CA342703199.